The following is an entry in ClinVar:

NM_003664.5(AP3B1):c.39A>G (p.Gly13=)

Gene: AP3B1 (adaptor related protein complex 3 subunit beta 1; minus strand). Cytogenetic location: 5q14.1.
Variant type: single nucleotide variant.
Coding change: c.39A>G on transcript NM_003664.5 (MANE Select); coding-DNA position 39, A replaced by G.
Protein change: p.Gly13=; no amino-acid change (glycine 13 retained).
Molecular consequence: synonymous variant. On other transcripts: 5 prime UTR variant (1).
Genome position (GRCh38, 1-based): chr5:78,294,541, T>C on the plus strand (A>G on the coding strand, the complement: AP3B1 is on the minus strand). VCF-style: chr5-78294541-T-C. GRCh37 (hg19) VCF-style: chr5-77590365-T-C.
Other names: p.Gly13=; c.39A>G (NM_003664.4); c.-121A>G (NM_001271769.2).
Identifiers: ClinVar variation 1569851 (VCV001569851.9), dbSNP rs1488407842, ClinGen allele CA445201473.

ClinVar aggregate classification (germline): Likely benign. Review status: criteria provided, multiple submitters, no conflicts (2 of 4 stars). 2 submissions from 2 submitters: Likely benign (2). Last evaluated 2025-10-01.

Conditions:
Hermansky-Pudlak syndrome 2 (HPS2). Also called: Platelet defects and oculocutaneous albinism. Identifiers: Orphanet 183678, Orphanet 79430, MedGen C1842362, MONDO:0011997, OMIM 608233.

Allele frequency attached by ClinVar (database versions not stated): gnomAD exomes below 0.00001.
gnomAD v4.1: 4 of 1,614,210 alleles (0.00025%); highest among the groups gnomAD compares: Non-Finnish European, 0.00034%; no homozygotes.

Submissions (2):

Mayo Clinic Laboratories, Mayo Clinic
Classification: Likely benign. Last evaluated: 2025-10-01. Review status: criteria provided, single submitter. Criteria: ACMG Guidelines, 2015. Collection method: clinical testing. Allele origin: germline. Observed: 1 variant allele.
Comment: BP4, PM2_supporting

Labcorp Genetics (formerly Invitae), Labcorp
Classification: Likely benign for Hermansky-Pudlak syndrome 2. Last evaluated: 2021-11-18. Review status: criteria provided, single submitter. Criteria: Invitae Variant Classification Sherloc (09022015). Collection method: clinical testing. Allele origin: germline.